The following is an entry in ClinVar:

NC_000023.10:g.(?_31219364)_(31497240_?)dup

Gene: DMD (dystrophin; minus strand). Cytogenetic location: Xp21.2.
Variant type: Duplication.
Identifiers: ClinVar variation 2424989 (VCV002424989.5).

ClinVar aggregate classification (germline): Uncertain significance (1 of 4 stars; one submission).

Conditions:
Duchenne muscular dystrophy (DMD). Also called: Duchenne Muscular Dystrophy (DMD); MUSCULAR DYSTROPHY, PSEUDOHYPERTROPHIC PROGRESSIVE, DUCHENNE TYPE. Identifiers: Orphanet 98896, MedGen C0013264, MONDO:0010679, OMIM 310200.

Submission:

Labcorp Genetics (formerly Invitae), Labcorp
Classification: Uncertain significance for Duchenne muscular dystrophy. Last evaluated: 2022-08-21. Review status: criteria provided, single submitter. Criteria: Invitae Variant Classification Sherloc (09022015). Collection method: clinical testing. Allele origin: germline.
Comment: This variant is a gross deletion of the genomic region encompassing exon(s) 58-67 of the DMD gene. This variant would be expected to be in-frame, preserving the integrity of the reading frame. This variant has not been reported in the literature in individuals affected with DMD-related conditions. In summary, the available evidence is currently insufficient to determine the role of this variant in disease. Therefore, it has been classified as a Variant of Uncertain Significance.